The following is an entry in ClinVar:

ClinVar aggregate classification (germline): Uncertain significance (1 of 4 stars; one submission).

Conditions:
Dilated cardiomyopathy 1W (CMD1W). Identifiers: Orphanet 154, MedGen C1969639, MONDO:0012667, OMIM 611407.

Allele frequency attached by ClinVar (database versions not stated): TOPMed below 0.00001; gnomAD 0.00001.
gnomAD v4.1: 1 of 1,614,034 alleles (0.000062%); highest among the groups gnomAD compares: Non-Finnish European, 0.000085%; no homozygotes.

Submission:

Labcorp Genetics (formerly Invitae), Labcorp
Classification: Uncertain significance for Dilated cardiomyopathy 1W. Last evaluated: 2023-07-28. Review status: criteria provided, single submitter. Criteria: Invitae Variant Classification Sherloc (09022015). Collection method: clinical testing. Allele origin: germline.
Comment: This sequence change replaces isoleucine, which is neutral and non-polar, with methionine, which is neutral and non-polar, at codon 223 of the VCL protein (p.Ile223Met). This variant is not present in population databases (gnomAD no frequency). This variant has not been reported in the literature in individuals affected with VCL-related conditions. An algorithm developed to predict the effect of missense changes on protein structure and function (PolyPhen-2) suggests that this variant is likely to be tolerated. In summary, the available evidence is currently insufficient to determine the role of this variant in disease. Therefore, it has been classified as a Variant of Uncertain Significance.

NM_014000.3(VCL):c.669A>G (p.Ile223Met)

Gene: VCL (vinculin; plus strand). Cytogenetic location: 10q22.2.
Variant type: single nucleotide variant.
Coding change: c.669A>G on transcript NM_014000.3 (MANE Select); coding-DNA position 669, A replaced by G.
Protein change: p.Ile223Met; replaces isoleucine 223 with methionine.
Molecular consequence: missense variant.
Genome position (GRCh38, 1-based): chr10:74,074,789, A>G. VCF-style: chr10-74074789-A-G. GRCh37 (hg19) VCF-style: chr10-75834547-A-G.
Other names: c.669A>G, p.Ile223Met (NM_003373.4); short protein forms I223M.
Identifiers: ClinVar variation 2747713 (VCV002747713.3), dbSNP rs1301421328, ClinGen allele CA377268297.